The following is an entry in ClinVar:

NM_194248.3(OTOF):c.158C>T (p.Ala53Val)

Gene: OTOF (otoferlin; minus strand). Cytogenetic location: 2p23.3.
Variant type: single nucleotide variant.
Coding change: c.158C>T on transcript NM_194248.3 (MANE Select); coding-DNA position 158, C replaced by T.
Protein change: p.Ala53Val; replaces alanine 53 with valine.
Molecular consequence: missense variant.
Genome position (GRCh38, 1-based): chr2:26,527,901, G>A on the plus strand (C>T on the coding strand, the complement: OTOF is on the minus strand). VCF-style: chr2-26527901-G-A. GRCh37 (hg19) VCF-style: chr2-26750769-G-A.
Other names: c.158C>T, p.Ala53Val (NM_001287489.2); short protein forms A53V.
Identifiers: ClinVar variation 21824 (VCV000021824.36), dbSNP rs1879761, ClinGen allele CA142752.

ClinVar aggregate classification (germline): Benign/Likely benign. Review status: criteria provided, multiple submitters, no conflicts (2 of 4 stars). 12 submissions from 12 submitters: Benign (9); Likely benign (2). 1 of the submissions does not count toward it. Last evaluated 2026-02-04.

Conditions:
Autosomal recessive nonsyndromic hearing loss 9. Also called: OTOF-Related Hearing Loss; AUDITORY NEUROPATHY, AUTOSOMAL RECESSIVE, 1, TEMPERATURE-SENSITIVE; NEUROSENSORY NONSYNDROMIC RECESSIVE DEAFNESS 9; Deafness, autosomal recessive 9. Identifiers: Orphanet 90636, MedGen C1832828, MONDO:0010986, OMIM 601071.

Allele frequency attached by ClinVar (database versions not stated): gnomAD 0.02762 and 0.03226; TOPMed 0.04603; 1000 Genomes Project 0.10024; ESP Exome Variant Server 0.00361; gnomAD exomes 0.06552; 1000 Genomes Project 30x 0.09775; ExAC 0.05373.

Submissions (12):

Labcorp Genetics (formerly Invitae), Labcorp
Classification: Benign. Last evaluated: 2026-02-04. Review status: criteria provided, single submitter. Criteria: Invitae Variant Classification Sherloc (09022015). Collection method: clinical testing. Allele origin: germline.

ARUP Laboratories, Molecular Genetics and Genomics, ARUP Laboratories
Classification: Benign. Last evaluated: 2023-11-29. Review status: criteria provided, single submitter. Criteria: ARUP Molecular Germline Variant Investigation Process 2024. Collection method: clinical testing. Allele origin: germline.

Fulgent Genetics
Classification: Benign for Autosomal recessive nonsyndromic hearing loss 9. Last evaluated: 2022-05-04. Review status: criteria provided, single submitter. Criteria: ACMG Guidelines, 2015. Collection method: clinical testing. Allele origin: unknown.

Women's Health and Genetics/Laboratory Corporation of America, LabCorp
Classification: Likely benign. Last evaluated: 2021-12-10. Review status: criteria provided, single submitter. Criteria: LabCorp Variant Classification Summary - May 2015. Collection method: clinical testing. Allele origin: germline.

Mayo Clinic Laboratories, Mayo Clinic
Classification: Benign. Last evaluated: 2021-03-22. Review status: criteria provided, single submitter. Criteria: ACMG Guidelines, 2015. Collection method: clinical testing. Allele origin: germline. Observed: 13 variant alleles.

Illumina Laboratory Services, Illumina
Classification: Benign for Autosomal recessive nonsyndromic hearing loss 9. Last evaluated: 2018-01-13. Review status: criteria provided, single submitter. Criteria: ICSL Variant Classification Criteria 13 December 2019. Collection method: clinical testing. Allele origin: germline.
Comment: This variant was observed in the ICSL laboratory as part of a predisposition screen in an ostensibly healthy population. It had not been previously curated by ICSL or reported in the Human Gene Mutation Database (HGMD: prior to June 1st, 2018), and was therefore a candidate for classification through an automated scoring system. Utilizing variant allele frequency, disease prevalence and penetrance estimates, and inheritance mode, an automated score was calculated to assess if this variant is too frequent to cause the disease. Based on the score and internal cut-off values, a variant classified as benign is not then subjected to further curation. The score for this variant resulted in a classification of benign for this disease.

GeneDx
Classification: Benign. Last evaluated: 2017-09-07. Review status: criteria provided, single submitter. Criteria: GeneDx Variant Classification (06012015). Collection method: clinical testing. Allele origin: germline. Affected: yes.
Comment: This variant is considered likely benign or benign based on one or more of the following criteria: it is a conservative change, it occurs at a poorly conserved position in the protein, it is predicted to be benign by multiple in silico algorithms, and/or has population frequency not consistent with disease.

Eurofins Ntd Llc (ga)
Classification: Benign. Last evaluated: 2016-04-29. Review status: criteria provided, single submitter. Criteria: EGL Classification Definitions 2015. Collection method: clinical testing. Allele origin: germline. Observed: 1 variant allele, 1 homozygote.

Laboratory for Molecular Medicine, Mass General Brigham Personalized Medicine
Classification: Benign. Last evaluated: 2010-04-23. Review status: criteria provided, single submitter. Criteria: LMM Criteria. Collection method: clinical testing. Allele origin: germline. Observed: 197 variant alleles.
Comment: Ala53Val in exon 3 of OTOF: This variant is not expected to have clinical signif icance because it was detected in normal hearing controls and it involves a chan ge at a position that is not conserved (Jiminez 2007, Varga 2006). In addition, it has been seen in an unpublished study with a minor allele frequency of 3% and has been identified in 10/122 (8%) of individuals tested by our laboratory. Thi s variant is also listed in dbSNP (rs1879761 - no frequency data available).

Breakthrough Genomics
Classification: Likely benign. Review status: criteria provided, single submitter. Criteria: ACMG Guidelines, 2015. Collection method: not provided. Allele origin: germline. Inheritance: Autosomal recessive inheritance. Affected: yes.

PreventionGenetics, part of Exact Sciences
Classification: Benign. Review status: criteria provided, single submitter. Criteria: ACMG Guidelines, 2015. Collection method: clinical testing. Allele origin: germline.

GeneReviews
No classification provided. Condition: Autosomal recessive nonsyndromic hearing loss 9. Review status: no classification provided. Collection method: literature only. Allele origin: unknown. Not counted in ClinVar's aggregate classification.

Literature cited by the submitters: PubMed 24053799 (cited by Eurofins Ntd Llc (ga)); PubMed 17512949 (cited by Laboratory for Molecular Medicine, Mass General Brigham Personalized Medicine); PubMed 16371502 (cited by Laboratory for Molecular Medicine, Mass General Brigham Personalized Medicine); PubMed 20301429 (cited by GeneReviews); NCBI Bookshelf NBK1251 (cited by GeneReviews).